The following is an entry in ClinVar:

ClinVar aggregate classification (germline): Likely benign (0 of 4 stars; one submission).

Conditions:
CHL1-related disorder. Also called: CHL1-related condition.

Allele frequency attached by ClinVar (database versions not stated): TOPMed 0.00003; gnomAD 0.00007; ESP Exome Variant Server 0.00008; 1000 Genomes Project 0.00020; gnomAD exomes 0.00024; 1000 Genomes Project 30x 0.00031; ExAC 0.00059.
gnomAD v4.1: 360 of 1,597,972 alleles (0.023%); highest among the groups gnomAD compares: South Asian, 0.33%; 2 homozygotes.

Submission:

PreventionGenetics, part of Exact Sciences
Classification: Likely benign for CHL1-related condition. Last evaluated: 2022-10-07. Review status: no assertion criteria provided. Collection method: clinical testing. Allele origin: germline.
Comment: This variant is classified as likely benign based on ACMG/AMP sequence variant interpretation guidelines (Richards et al. 2015 PMID: 25741868, with internal and published modifications).

NM_006614.4(CHL1):c.3104T>C (p.Ile1035Thr)

Gene: CHL1 (cell adhesion molecule L1 like; plus strand). Cytogenetic location: 3p26.3.
Variant type: single nucleotide variant.
Coding change: c.3104T>C on transcript NM_006614.4 (MANE Select); coding-DNA position 3104, T replaced by C.
Protein change: p.Ile1035Thr; replaces isoleucine 1035 with threonine.
Molecular consequence: missense variant. On other transcripts: intron variant (1).
Genome position (GRCh38, 1-based): chr3:398,236, T>C. VCF-style: chr3-398236-T-C. GRCh37 (hg19) VCF-style: chr3-439919-T-C.
Other names: c.3056T>C, p.Ile1019Thr (NM_001253387.2); c.3095-781T>C (NM_001253388.1); short protein forms I1019T, I1035T.
Identifiers: ClinVar variation 3058396 (VCV003058396.2), dbSNP rs370418721, ClinGen allele CA2225354.